The following is an entry in ClinVar:

ClinVar aggregate classification (germline): Pathogenic (1 of 4 stars; one submission).

Conditions:
Hereditary cancer-predisposing syndrome. Also called: Tumor predisposition; Neoplastic Syndromes, Hereditary; Hereditary neoplastic syndrome; Hereditary Cancer Syndrome. Identifiers: Orphanet 140162, MedGen C0027672, MeSH D009386, MONDO:0015356.

Submission:

Ambry Genetics
Classification: Pathogenic for Hereditary cancer-predisposing syndrome. Last evaluated: 2024-11-14. Review status: criteria provided, single submitter. Criteria: Ambry Variant Classification Scheme 2023. Collection method: clinical testing. Allele origin: germline.
Comment: The c.354dupT pathogenic mutation, located in coding exon 5 of the SDHC gene, results from a duplication of T at nucleotide position 354, causing a translational frameshift with a predicted alternate stop codon (p.A119Cfs*88). This alteration occurs at the 3' terminus of theSDHC gene, is not expected to trigger nonsense-mediated mRNAdecay and results in the elongation of the protein by 36 amino acids. This frameshift impacts the last 30% of the native protein. However, frameshifts are typically deleterious in nature and a significant portion of the protein is affected and the impacted region is critical for protein function (Ambry internal data). This variant is considered to be rare based on population cohorts in the Genome Aggregation Database (gnomAD). Based on the supporting evidence, this variant is interpreted as a disease-causing mutation.

NM_003001.5(SDHC):c.354dup (p.Ala119fs)

Gene: SDHC (succinate dehydrogenase complex subunit C; plus strand). Cytogenetic location: 1q23.3.
Variant type: Duplication.
Coding change: c.354dup on transcript NM_003001.5 (MANE Select); coding-DNA position 354, one base duplicated (T; older notation c.354dupT).
Protein change: p.Ala119fs; shifts the reading frame from alanine 119.
Molecular consequence: frameshift variant. On other transcripts: non-coding transcript variant (1), intron variant (3).
Genome position (GRCh38, 1-based): chr1:161,356,789, T duplicated; the last of 3 consecutive T bases (chr1:161,356,787-161,356,789); duplicating any one gives the same sequence. VCF-style (leftmost placement, unchanged base first): chr1-161356786-G-GT. GRCh37 (hg19) VCF-style: chr1-161326576-G-GT.
Other names: c.195dup, p.Ala66fs (NM_001035513.3); c.474dup, p.Ala159fs (NM_001407115.1); c.297dup, p.Ala100fs (NM_001407116.1); c.291dup, p.Ala98fs (NM_001407117.1); c.246dup, p.Ala83fs (NM_001407118.1); c.243dup, p.Ala82fs (NM_001407119.1, NM_001407120.1); c.252dup, p.Ala85fs (NM_001035512.3); c.242-5540dup (NM_001035511.3); and 3 more; short protein forms A159fs, A82fs, A85fs, A66fs, A98fs, A100fs, A119fs, A83fs.
Identifiers: ClinVar variation 3438786 (VCV003438786.1).